The following is an entry in ClinVar:

ClinVar aggregate classification (germline): Uncertain significance. Review status: criteria provided, multiple submitters, no conflicts (2 of 4 stars). 3 submissions from 3 submitters: Uncertain significance (2). 1 of the submissions does not count toward it. Last evaluated 2022-06-04.

Conditions:
Autosomal recessive limb-girdle muscular dystrophy type 2A (LGMDR1). Also called: Limb-girdle muscular dystrophy, type 2A; Calpainopathy; LEYDEN-MOEBIUS MUSCULAR DYSTROPHY; MUSCULAR DYSTROPHY, PELVOFEMORAL; Muscular dystrophy, limb-girdle, type 2A, Amish. Identifiers: Orphanet 267, MedGen C1869123, MONDO:0009675, OMIM 253600. Disease mechanism: loss of function.

Allele frequency attached by ClinVar (database versions not stated): ExAC 0.00001; gnomAD exomes 0.00002; gnomAD 0.00003; TOPMed 0.00003.

Submissions (3):

Labcorp Genetics (formerly Invitae), Labcorp
Classification: Uncertain significance for Autosomal recessive limb-girdle muscular dystrophy type 2A. Last evaluated: 2022-06-04. Review status: criteria provided, single submitter. Criteria: Invitae Variant Classification Sherloc (09022015). Collection method: clinical testing. Allele origin: germline.
Comment: This sequence change replaces alanine, which is neutral and non-polar, with threonine, which is neutral and polar, at codon 160 of the CAPN3 protein (p.Ala160Thr). This variant is present in population databases (rs749697583, gnomAD 0.01%). This variant has not been reported in the literature in individuals affected with CAPN3-related conditions. ClinVar contains an entry for this variant (Variation ID: 990238). Advanced modeling of protein sequence and biophysical properties (such as structural, functional, and spatial information, amino acid conservation, physicochemical variation, residue mobility, and thermodynamic stability) performed at Invitae indicates that this missense variant is expected to disrupt CAPN3 protein function. In summary, the available evidence is currently insufficient to determine the role of this variant in disease. Therefore, it has been classified as a Variant of Uncertain Significance.

Revvity Omics, Revvity
Classification: Uncertain significance. Last evaluated: 2019-03-26. Review status: criteria provided, single submitter. Criteria: ACMG Guidelines, 2015. Collection method: clinical testing. Allele origin: germline.

Natera, Inc.
Classification: Uncertain significance for Limb-girdle muscular dystrophy type 2A. Last evaluated: 2020-04-17. Review status: no assertion criteria provided. Collection method: clinical testing. Allele origin: germline. Not counted in ClinVar's aggregate classification.

NM_000070.3(CAPN3):c.478G>A (p.Ala160Thr)

Genes: CAPN3 (calpain 3; plus strand), LOC126862115 (BRD4-independent group 4 enhancer GRCh37_chr15:42677734-42678933; plus strand). Cytogenetic location: 15q15.1.
Variant type: single nucleotide variant.
Coding change: c.478G>A on transcript NM_000070.3 (MANE Select); coding-DNA position 478, G replaced by A.
Protein change: p.Ala160Thr; replaces alanine 160 with threonine.
Molecular consequence: missense variant.
Genome position (GRCh38, 1-based): chr15:42,386,265, G>A. VCF-style: chr15-42386265-G-A. GRCh37 (hg19) VCF-style: chr15-42678463-G-A.
Other names: c.478G>A, p.Ala160Thr (NM_024344.2, NM_173087.2); c.478G>A (NM_000070.2); short protein forms A160T.
Identifiers: ClinVar variation 990238 (VCV000990238.5), dbSNP rs749697583, ClinGen allele CA7511024.